The following is an entry in ClinVar:

ClinVar aggregate classification (germline): Benign/Likely benign. Review status: criteria provided, multiple submitters, no conflicts (2 of 4 stars). 3 submissions from 3 submitters: Benign (1); Likely benign (1). 1 of the submissions does not count toward it. Last evaluated 2025-07-30.

Conditions:
ARHGAP24-related disorder. Also called: ARHGAP24-related condition.

Allele frequency attached by ClinVar (database versions not stated): TOPMed 0.00025; ESP Exome Variant Server 0.00031; gnomAD 0.00045 and 0.00047.
gnomAD v4.1: 770 of 1,613,958 alleles (0.048%); highest among the groups gnomAD compares: Non-Finnish European, 0.05%; 1 homozygote.

Submissions (3):

Labcorp Genetics (formerly Invitae), Labcorp
Classification: Benign. Last evaluated: 2025-07-30. Review status: criteria provided, single submitter. Criteria: Invitae Variant Classification Sherloc (09022015). Collection method: clinical testing. Allele origin: germline.

Blueprint Genetics
Classification: Likely benign. Last evaluated: 2024-09-18. Review status: criteria provided, single submitter. Criteria: ACMG Guidelines, 2015. Collection method: clinical testing. Allele origin: germline.

PreventionGenetics, part of Exact Sciences
Classification: Likely benign for ARHGAP24-related condition. Last evaluated: 2019-02-22. Review status: no assertion criteria provided. Collection method: clinical testing. Allele origin: germline. Not counted in ClinVar's aggregate classification.
Comment: This variant is classified as likely benign based on ACMG/AMP sequence variant interpretation guidelines (Richards et al. 2015 PMID: 25741868, with internal and published modifications).

NM_001025616.3(ARHGAP24):c.525A>C (p.Arg175=)

Gene: ARHGAP24 (Rho GTPase activating protein 24; plus strand). Cytogenetic location: 4q21.23.
Variant type: single nucleotide variant.
Coding change: c.525A>C on transcript NM_001025616.3 (MANE Select); coding-DNA position 525, A replaced by C.
Protein change: p.Arg175=; no amino-acid change (arginine 175 retained).
Molecular consequence: synonymous variant. On other transcripts: intron variant (1).
Genome position (GRCh38, 1-based): chr4:85,942,199, A>C. VCF-style: chr4-85942199-A-C. GRCh37 (hg19) VCF-style: chr4-86863352-A-C.
Other names: c.525A>C (NM_001025616.2); c.240A>C, p.Arg80= (NM_001042669.2); c.270A>C, p.Arg90= (NM_001287805.2); c.246A>C, p.Arg82= (NM_031305.3); c.20+18429A>C (NM_001346093.2).
Identifiers: ClinVar variation 1632472 (VCV001632472.11), dbSNP rs140938117, ClinGen allele CA2994516.
Genomic context (GRCh38, chr4:85,942,199, plus strand): 5'-GGTGGAGCAGTGCGTGGACTTTATCCGACAAAGGGGGCTGAAAGAAGAGGGTCTCTTTCG[A>C]CTGCCAGGCCAGGCTAATCTTGTTAAGGAGCTCCAAGATGCCTTTGACTGTGGGGAGAAG-3'
Protein context (NP_001020787.2, residues 165-185): QRGLKEEGLF[Arg175=]LPGQANLVKE